The following is an entry in ClinVar:

NM_000158.4(GBE1):c.1848T>G (p.Phe616Leu)

Gene: GBE1 (1,4-alpha-glucan branching enzyme 1; minus strand). Cytogenetic location: 3p12.2.
Variant type: single nucleotide variant.
Coding change: c.1848T>G on transcript NM_000158.4 (MANE Select); coding-DNA position 1848, T replaced by G.
Protein change: p.Phe616Leu; replaces phenylalanine 616 with leucine.
Molecular consequence: missense variant.
Genome position (GRCh38, 1-based): chr3:81,535,281, A>C on the plus strand (T>G on the coding strand, the complement: GBE1 is on the minus strand). VCF-style: chr3-81535281-A-C. GRCh37 (hg19) VCF-style: chr3-81584432-A-C.
Other names: p.Phe616Leu; short protein forms F616L.
Identifiers: ClinVar variation 2081169 (VCV002081169.5), dbSNP rs572672227, ClinGen allele CA2499536.
Genomic context (GRCh38, chr3:81,535,281, plus strand): 5'-GTAGTCAGTGTAGCTCTTGCTTGGATGGAAGTTGAAAATGAAAAGAAGACCTGCTCTTTC[A>C]AAAGCAATGATCTTATTGCCTTCATGTTTTTCACTCACGTAGGCCTGCAAGAATTAGCAC-3'
Protein context (NP_000149.4, residues 606-626): EKHEGNKIIA[Phe616Leu]ERAGLLFIFN

ClinVar aggregate classification (germline): Uncertain significance. Review status: criteria provided, multiple submitters, no conflicts (2 of 4 stars). 3 submissions from 3 submitters: Uncertain significance (3). Last evaluated 2024-10-04.

Conditions:
Glycogen storage disease, type IV (GSD4). Also called: AMYLOPECTINOSIS; ANDERSEN DISEASE; Glycogen storage disease due to glycogen branching enzyme deficiency; BRANCHER DEFICIENCY; CIRRHOSIS, FAMILIAL, WITH DEPOSITION OF ABNORMAL GLYCOGEN; GBE1 DEFICIENCY. Identifiers: Orphanet 367, MedGen C0017923, MONDO:0009292, OMIM 232500.
Glycogen storage disease IV, classic hepatic. Also called: GSD IV, CLASSIC HEPATIC. Identifiers: MedGen C1856301.
Inborn genetic diseases. Identifiers: MedGen C0950123, MeSH D030342.

Allele frequency attached by ClinVar (database versions not stated): ExAC 0.00003; gnomAD 0.00015; 1000 Genomes Project 30x 0.00016; TOPMed 0.00019; 1000 Genomes Project 0.00020.
gnomAD v4.1: 47 of 1,611,394 alleles (0.0029%); highest among the groups gnomAD compares: African/African-American, 0.057%; no homozygotes.

Submissions (3):

Mayo Clinic Laboratories, Mayo Clinic
Classification: Uncertain significance. Last evaluated: 2024-10-04. Review status: criteria provided, single submitter. Criteria: ACMG Guidelines, 2015. Collection method: clinical testing. Allele origin: germline. Observed: 3 variant alleles.
Comment: PM2_supporting

Labcorp Genetics (formerly Invitae), Labcorp
Classification: Uncertain significance for Glycogen storage disease, type IV; Glycogen storage disease IV, classic hepatic. Last evaluated: 2024-02-24. Review status: criteria provided, single submitter. Criteria: Invitae Variant Classification Sherloc (09022015). Collection method: clinical testing. Allele origin: germline.
Comment: This sequence change replaces phenylalanine, which is neutral and non-polar, with leucine, which is neutral and non-polar, at codon 616 of the GBE1 protein (p.Phe616Leu). This variant is present in population databases (rs572672227, gnomAD 0.03%). This variant has not been reported in the literature in individuals affected with GBE1-related conditions. ClinVar contains an entry for this variant (Variation ID: 2081169). Advanced modeling of protein sequence and biophysical properties (such as structural, functional, and spatial information, amino acid conservation, physicochemical variation, residue mobility, and thermodynamic stability) has been performed at Invitae for this missense variant, however the output from this modeling did not meet the statistical confidence thresholds required to predict the impact of this variant on GBE1 protein function. In summary, the available evidence is currently insufficient to determine the role of this variant in disease. Therefore, it has been classified as a Variant of Uncertain Significance.

Ambry Genetics
Classification: Uncertain significance for Inborn genetic diseases. Last evaluated: 2021-08-09. Review status: criteria provided, single submitter. Criteria: Ambry Variant Classification Scheme 2023. Collection method: clinical testing. Allele origin: germline.